The following is an entry in ClinVar:

NM_001365536.1(SCN9A):c.4012A>T (p.Met1338Leu)

Genes: SCN1A-AS1 (SCN1A and SCN9A antisense RNA 1; plus strand), SCN9A (sodium voltage-gated channel alpha subunit 9; minus strand). Cytogenetic location: 2q24.3.
Variant type: single nucleotide variant.
Coding change: c.4012A>T on transcript NM_001365536.1 (MANE Select); coding-DNA position 4012, A replaced by T.
Protein change: p.Met1338Leu; replaces methionine 1338 with leucine.
Molecular consequence: missense variant.
Genome position (GRCh38, 1-based): chr2:166,228,885, T>A on the plus strand (A>T on the coding strand, the complement: SCN9A is on the minus strand). VCF-style: chr2-166228885-T-A. GRCh37 (hg19) VCF-style: chr2-167085395-T-A.
Other names: c.3979A>T, p.Met1327Leu (NM_002977.4); short protein forms M1327L, M1338L.
Identifiers: ClinVar variation 4881876 (VCV004881876.2).
Genomic context (GRCh38, chr2:166,228,885, plus strand): 5'-GTGACCCATCTGTGGTGTTAATACACTCATAGAACTTGCCAGCAAACAAATTTACTCCCA[T>A]GATGCTGAATATCAGCCAGAATATAAGACACACAAGTAGCACATTCATGATGGAAGGAAT-3'
Protein context (NP_001352465.1, residues 1328-1348): CLIFWLIFSI[Met1338Leu]GVNLFAGKFY

ClinVar aggregate classification (germline): Uncertain significance (1 of 4 stars; one submission).

Conditions:
Primary erythromelalgia. Also called: SCN9A Erythromelalgia (SCN9A-EM); primary erythermalgia. Identifiers: Orphanet 306577, Orphanet 90026, MedGen C0014805, MONDO:0007571, OMIM 133020.

Submission:

Dasa
Classification: Uncertain significance for primary erythermalgia. Last evaluated: 2025-11-03. Review status: criteria provided, single submitter. Criteria: DASA Assertion Criteria. Collection method: clinical testing. Allele origin: germline.
Comment: NM_001365536.1(SCN9A):c.4012A>T (p.Met1338Leu) is a missense variant that results in the substitution of methionine with leucine. This variant is rare in population databases. Computational prediction algorithms are consistent with a deleterious effect. The currently available literature and clinical evidence are not sufficient to establish a definitive association between this variant and the reported condition. Therefore, this variant is classified as a variant of uncertain significance.